The following is an entry in ClinVar:

ClinVar aggregate classification (germline): Likely benign (1 of 4 stars; one submission).

Allele frequency attached by ClinVar (database versions not stated): TOPMed 0.00002; gnomAD exomes below 0.00001; ExAC 0.00001.
gnomAD v4.1: 8 of 1,614,174 alleles (0.0005%); highest among the groups gnomAD compares: Non-Finnish European, 0.00068%; no homozygotes.

Submission:

CeGaT Center for Human Genetics Tuebingen
Classification: Likely benign. Last evaluated: 2024-11-01. Review status: criteria provided, single submitter. Criteria: CeGaT Center For Human Genetics Tuebingen Variant Classification Criteria Version 2. Collection method: clinical testing. Allele origin: germline. Affected: yes. Observed: 1 variant allele.
Comment: SRCAP: BP4, BP7

NM_006662.3(SRCAP):c.18C>G (p.Ser6=)

Gene: SRCAP (Snf2 related CREBBP activator protein; plus strand). Cytogenetic location: 16p11.2.
Variant type: single nucleotide variant.
Coding change: c.18C>G on transcript NM_006662.3 (MANE Select); coding-DNA position 18, C replaced by G.
Protein change: p.Ser6=; no amino-acid change (serine 6 retained).
Molecular consequence: synonymous variant.
Genome position (GRCh38, 1-based): chr16:30,700,842, C>G. VCF-style: chr16-30700842-C-G. GRCh37 (hg19) VCF-style: chr16-30712163-C-G.
Identifiers: ClinVar variation 3389213 (VCV003389213.14), dbSNP rs772300957.